The following is an entry in ClinVar:

NM_052867.4(NALCN):c.2483A>G (p.Glu828Gly)

Gene: NALCN (sodium leak channel, non-selective; minus strand). Cytogenetic location: 13q33.1.
Variant type: single nucleotide variant.
Coding change: c.2483A>G on transcript NM_052867.4 (MANE Select); coding-DNA position 2483, A replaced by G.
Protein change: p.Glu828Gly; replaces glutamic acid 828 with glycine.
Molecular consequence: missense variant.
Genome position (GRCh38, 1-based): chr13:101,107,583, T>C on the plus strand (A>G on the coding strand, the complement: NALCN is on the minus strand). VCF-style: chr13-101107583-T-C. GRCh37 (hg19) VCF-style: chr13-101759934-T-C.
Other names: c.2570A>G, p.Glu857Gly (NM_001350748.2); c.2483A>G, p.Glu828Gly (NM_001350749.2); c.2396A>G, p.Glu799Gly (NM_001350750.2, NM_001350751.2); short protein forms E828G, E799G, E857G.
Identifiers: ClinVar variation 449889 (VCV000449889.2), dbSNP rs1555383003, ClinGen allele CA388670410.

ClinVar aggregate classification (germline): Likely pathogenic (1 of 4 stars; one submission).

Submission:

GeneDx
Classification: Likely pathogenic. Last evaluated: 2017-03-29. Review status: criteria provided, single submitter. Criteria: GeneDx Variant Classification (06012015). Collection method: clinical testing. Allele origin: germline. Affected: yes.
Comment: A variant that is likely pathogenic has been identified in the NALCN gene. The E828G variant has not been published as a pathogenic variant, nor has it been reported as a benign variant to our knowledge. It is not observed in large population cohorts (Lek et al., 2016; 1000 Genomes Consortium et al., 2015; Exome Variant Server). The E828G variant is a non-conservative amino acid substitution, which is likely to impact secondary protein structure as these residues differ in polarity, charge, size and/or other properties. This substitution occurs at a conserved position predicted to be within the cytoplasmic loop between the second and third homologous domains of the NALCN protein. In silico analysis predicts the E828G variant is probably damaging to the protein structure/function. Therefore, this variant is likely pathogenic.